The following is an entry in ClinVar:

NM_001374736.1(DST):c.14933C>T (p.Thr4978Met)

Gene: DST (dystonin; minus strand). Cytogenetic location: 6p12.1.
Variant type: single nucleotide variant.
Coding change: c.14933C>T on transcript NM_001374736.1 (MANE Select); coding-DNA position 14933, C replaced by T.
Protein change: p.Thr4978Met; replaces threonine 4978 with methionine.
Molecular consequence: missense variant.
Genome position (GRCh38, 1-based): chr6:56,555,548, G>A on the plus strand (C>T on the coding strand, the complement: DST is on the minus strand). VCF-style: chr6-56555548-G-A. GRCh37 (hg19) VCF-style: chr6-56420346-G-A.
Other names: c.8576C>T, p.Thr2859Met (NM_001144769.5); c.8162C>T, p.Thr2721Met (NM_001144770.2); c.14933C>T, p.Thr4978Met (NM_001374722.1); c.14300C>T, p.Thr4767Met (NM_001374729.1); c.8042C>T, p.Thr2681Met (NM_001374730.1, NM_183380.4); c.14960C>T, p.Thr4987Met (NM_001374734.1); c.7064C>T, p.Thr2355Met (NM_015548.5); short protein forms T4767M, T4978M, T4987M, T2355M, T2681M, T2721M, T2859M.
Identifiers: ClinVar variation 969749 (VCV000969749.7), dbSNP rs202121891, ClinGen allele CA3867904.

ClinVar aggregate classification (germline): Uncertain significance. Review status: criteria provided, multiple submitters, no conflicts (2 of 4 stars). 2 submissions from 2 submitters: Uncertain significance (2). Last evaluated 2022-08-31.

Conditions:
Epidermolysis bullosa simplex 3, localized or generalized intermediate, with BP230 deficiency (EBS3). Also called: Epidermolysis bullosa simplex, autosomal recessive 2; Epidermolysis bullosa simplex due to BP230 deficiency. Identifiers: Orphanet 412181, MedGen C3809470, MONDO:0014180, OMIM 615425.
Hereditary sensory and autonomic neuropathy type 6. Also called: Neuropathy, hereditary sensory and autonomic, type VI; HSAN VI. Identifiers: Orphanet 314381, MedGen C3539003, MONDO:0013839, OMIM 614653.
Inborn genetic diseases. Identifiers: MedGen C0950123, MeSH D030342.

Allele frequency attached by ClinVar (database versions not stated): ExAC 0.00005; gnomAD exomes 0.00006 and 0.00011; TOPMed 0.00006; gnomAD 0.00014 and 0.00013; ESP Exome Variant Server 0.00016.
gnomAD v4.1: 176 of 1,613,868 alleles (0.011%); highest among the groups gnomAD compares: Non-Finnish European, 0.014%; no homozygotes.

Submissions (2):

Labcorp Genetics (formerly Invitae), Labcorp
Classification: Uncertain significance for Epidermolysis bullosa simplex 3, localized or generalized intermediate, with BP230 deficiency; Hereditary sensory and autonomic neuropathy type 6. Last evaluated: 2022-08-31. Review status: criteria provided, single submitter. Criteria: Invitae Variant Classification Sherloc (09022015). Collection method: clinical testing. Allele origin: germline.
Comment: The DST gene has multiple clinically relevant transcripts. This variant occurs in alternate transcript NM_015548.4, and corresponds to NM_001723.5:c.*59969C>T in the primary transcript. This sequence change replaces threonine, which is neutral and polar, with methionine, which is neutral and non-polar, at codon 2355 of the DST protein (p.Thr2355Met). This variant is present in population databases (rs202121891, gnomAD 0.02%). This variant has not been reported in the literature in individuals affected with DST-related conditions. ClinVar contains an entry for this variant (Variation ID: 969749). Experimental studies and prediction algorithms are not available or were not evaluated, and the functional significance of this variant is currently unknown. In summary, the available evidence is currently insufficient to determine the role of this variant in disease. Therefore, it has been classified as a Variant of Uncertain Significance.

Ambry Genetics
Classification: Uncertain significance for Inborn genetic diseases. Last evaluated: 2020-08-18. Review status: criteria provided, single submitter. Criteria: Ambry Variant Classification Scheme 2023. Collection method: clinical testing. Allele origin: germline.
Comment: The p.T2859M variant (also known as c.8576C>T), located in coding exon 54 of the DST gene, results from a C to T substitution at nucleotide position 8576. The threonine at codon 2859 is replaced by methionine, an amino acid with similar properties. This amino acid position is not well conserved in available vertebrate species. In addition, this alteration is predicted to be tolerated by in silico analysis. Since supporting evidence is limited at this time, the clinical significance of this alteration remains unclear.